The following is an entry in ClinVar:

ClinVar aggregate classification (germline): Likely pathogenic (1 of 4 stars; one submission).

Conditions:
Bardet-Biedl syndrome 22 (BBS22). Identifiers: MedGen C5561936, MONDO:0014926, OMIM 617119.

gnomAD v4.1: 2 of 1,531,006 alleles (0.00013%); highest among the groups gnomAD compares: East Asian, 0.0023%; no homozygotes.

Submission:

3billion
Classification: Likely pathogenic for Bardet-Biedl syndrome 22. Last evaluated: 2025-07-01. Review status: criteria provided, single submitter. Criteria: ACMG Guidelines, 2015. Collection method: clinical testing. Allele origin: germline. Affected: yes.
Comment: The variant is observed at an extremely low frequency in the gnomAD v4.1.0 dataset (total allele frequency: 0.009%). Predicted Consequence/Location: Canonical splice site: predicted to alter splicing and result in a loss or disruption of normal protein function. The predicted truncated protein may be shortened by less than 10%. In silico tools predict the variant to alter splicing and produce an abnormal transcript [SpliceAI: 0.55 (spliceogenicity >=0.2, non-spliceogenicity <0.1)]. The variant has been reported to be in trans with a pathogenic variant as either compound heterozygous or homozygous in at least one similarly affected unrelated individual (PMID: 33531668). The variant has been reported at least twice as pathogenic with clinical assertions and evidence for the classification (ClinVar ID: VCV000254276 /3billion dataset). Therefore, this variant is classified as Pathogenic according to the recommendation of ACMG/AMP guideline.

NM_025103.4(IFT74):c.974+1G>A

Gene: IFT74 (intraflagellar transport 74; plus strand). Cytogenetic location: 9p21.2.
Variant type: single nucleotide variant.
Coding change: c.974+1G>A on transcript NM_025103.4 (MANE Select); the canonical splice donor site of the intron after coding-DNA position 974, G replaced by A.
Molecular consequence: splice donor variant.
Genome position (GRCh38, 1-based): chr9:27,018,688, G>A. VCF-style: chr9-27018688-G-A. GRCh37 (hg19) VCF-style: chr9-27018686-G-A.
Other names: c.974+1G>A (NM_001099223.3, NM_001099222.3, NM_001349928.2 and 1 more transcripts).
Identifiers: ClinVar variation 4855077 (VCV004855077.1).